The following is an entry in ClinVar:

NM_033004.4(NLRP1):c.2309T>C (p.Ile770Thr)

Gene: NLRP1 (NLR family pyrin domain containing 1; minus strand). Cytogenetic location: 17p13.2.
Variant type: single nucleotide variant.
Coding change: c.2309T>C on transcript NM_033004.4 (MANE Select); coding-DNA position 2309, T replaced by C.
Protein change: p.Ile770Thr; replaces isoleucine 770 with threonine.
Molecular consequence: missense variant.
Genome position (GRCh38, 1-based): chr17:5,558,387, A>G on the plus strand (T>C on the coding strand, the complement: NLRP1 is on the minus strand). VCF-style: chr17-5558387-A-G. GRCh37 (hg19) VCF-style: chr17-5461707-A-G.
Other names: c.2309T>C, p.Ile770Thr (NM_001033053.3, NM_014922.5, NM_033006.4 and 1 more transcripts); short protein forms I770T.
Identifiers: ClinVar variation 1399703 (VCV001399703.8), dbSNP rs759218321, ClinGen allele CA8327216.

ClinVar aggregate classification (germline): Uncertain significance (1 of 4 stars; one submission).

Allele frequency attached by ClinVar (database versions not stated): gnomAD 0.00001; gnomAD exomes 0.00001 and 0.00004; TOPMed 0.00001; ExAC 0.00005.
gnomAD v4.1: 25 of 1,613,806 alleles (0.0015%); highest among the groups gnomAD compares: Non-Finnish European, 0.0018%; no homozygotes.

Submission:

Labcorp Genetics (formerly Invitae), Labcorp
Classification: Uncertain significance. Last evaluated: 2025-10-23. Review status: criteria provided, single submitter. Criteria: Invitae Variant Classification Sherloc (09022015). Collection method: clinical testing. Allele origin: germline.
Comment: This sequence change replaces isoleucine, which is neutral and non-polar, with threonine, which is neutral and polar, at codon 770 of the NLRP1 protein (p.Ile770Thr). This variant is present in population databases (rs759218321, gnomAD 0.007%). This variant has not been reported in the literature in individuals affected with NLRP1-related conditions. ClinVar contains an entry for this variant (Variation ID: 1399703). An algorithm developed to predict the effect of missense changes on protein structure and function (PolyPhen-2) suggests that this variant is likely to be tolerated. In summary, the available evidence is currently insufficient to determine the role of this variant in disease. Therefore, it has been classified as a Variant of Uncertain Significance.